The following is an entry in ClinVar:

NM_001429.4(EP300):c.5888C>A (p.Ala1963Asp)

Gene: EP300 (EP300 lysine acetyltransferase; plus strand). Cytogenetic location: 22q13.2.
Variant type: single nucleotide variant.
Coding change: c.5888C>A on transcript NM_001429.4 (MANE Select); coding-DNA position 5888, C replaced by A.
Protein change: p.Ala1963Asp; replaces alanine 1963 with aspartic acid.
Molecular consequence: missense variant.
Genome position (GRCh38, 1-based): chr22:41,177,599, C>A. VCF-style: chr22-41177599-C-A. GRCh37 (hg19) VCF-style: chr22-41573603-C-A.
Other names: c.5810C>A, p.Ala1937Asp (NM_001362843.2); short protein forms A1937D, A1963D.
Identifiers: ClinVar variation 1954164 (VCV001954164.5), dbSNP rs754423861, ClinGen allele CA411710250.

ClinVar aggregate classification (germline): Uncertain significance (1 of 4 stars; one submission).

Conditions:
Rubinstein-Taybi syndrome due to EP300 haploinsufficiency. Also called: EP300-Related Rubinstein-Taybi Syndrome; RUBINSTEIN-TAYBI SYNDROME 2. Identifiers: Orphanet 353284, Orphanet 783, MedGen C3150941, MONDO:0013364, OMIM 613684.

Submission:

Labcorp Genetics (formerly Invitae), Labcorp
Classification: Uncertain significance for Rubinstein-Taybi syndrome due to EP300 haploinsufficiency. Last evaluated: 2022-03-26. Review status: criteria provided, single submitter. Criteria: Invitae Variant Classification Sherloc (09022015). Collection method: clinical testing. Allele origin: germline.
Comment: This sequence change replaces alanine, which is neutral and non-polar, with aspartic acid, which is acidic and polar, at codon 1963 of the EP300 protein (p.Ala1963Asp). In summary, the available evidence is currently insufficient to determine the role of this variant in disease. Therefore, it has been classified as a Variant of Uncertain Significance. This variant is not present in population databases (gnomAD no frequency). This variant has not been reported in the literature in individuals affected with EP300-related conditions. Advanced modeling of protein sequence and biophysical properties (such as structural, functional, and spatial information, amino acid conservation, physicochemical variation, residue mobility, and thermodynamic stability) performed at Invitae indicates that this missense variant is not expected to disrupt EP300 protein function.